The following is an entry in ClinVar:

NM_007118.4(TRIO):c.3687A>C (p.Arg1229Ser)

Gene: TRIO (trio Rho guanine nucleotide exchange factor; plus strand). Cytogenetic location: 5p15.2.
Variant type: single nucleotide variant.
Coding change: c.3687A>C on transcript NM_007118.4 (MANE Select); coding-DNA position 3687, A replaced by C.
Protein change: p.Arg1229Ser; replaces arginine 1229 with serine.
Molecular consequence: missense variant. On other transcripts: non-coding transcript variant (1).
Genome position (GRCh38, 1-based): chr5:14,387,554, A>C. VCF-style: chr5-14387554-A-C. GRCh37 (hg19) VCF-style: chr5-14387663-A-C.
Other names: short protein forms R1229S.
Identifiers: ClinVar variation 1704050 (VCV001704050.2), dbSNP rs751652253, ClinGen allele CA3206248.

ClinVar aggregate classification (germline): Uncertain significance (1 of 4 stars; one submission).

Allele frequency attached by ClinVar (database versions not stated): ExAC 0.00001; gnomAD 0.00001; TOPMed 0.00001.
gnomAD v4.1: 2 of 1,614,142 alleles (0.00012%); highest among the groups gnomAD compares: Admixed American, 0.0033%; no homozygotes.

Submission:

GeneDx
Classification: Uncertain significance. Last evaluated: 2022-03-02. Review status: criteria provided, single submitter. Criteria: GeneDx Variant Classification Process June 2021. Collection method: clinical testing. Allele origin: germline. Affected: yes.
Comment: In silico analysis supports that this missense variant has a deleterious effect on protein structure/function; Has not been previously published as pathogenic or benign to our knowledge